The following is an entry in ClinVar:

NM_000169.3(GLA):c.845C>T (p.Thr282Ile)

Genes: GLA (galactosidase alpha; minus strand), RPL36A-HNRNPH2 (RPL36A-HNRNPH2 readthrough; plus strand). Cytogenetic location: Xq22.1.
Variant type: single nucleotide variant.
Coding change: c.845C>T on transcript NM_000169.3 (MANE Select); coding-DNA position 845, C replaced by T.
Protein change: p.Thr282Ile; replaces threonine 282 with isoleucine.
Molecular consequence: missense variant. On other transcripts: non-coding transcript variant (3), intron variant (2).
Genome position (GRCh38, 1-based): chrX:101,398,524, G>A on the plus strand (C>T on the coding strand, the complement: GLA is on the minus strand). VCF-style: chrX-101398524-G-A. GRCh37 (hg19) VCF-style: chrX-100653512-G-A.
Other names: c.968C>T, p.Thr323Ile (NM_001406747.1); c.845C>T, p.Thr282Ile (NM_001406748.1); c.300+3067G>A (NM_001199973.2); c.177+6702G>A (NM_001199974.2); short protein forms T282I, T323I.
Identifiers: ClinVar variation 4087546 (VCV004087546.2).

ClinVar aggregate classification (germline): Likely pathogenic (1 of 4 stars; one submission).

Conditions:
Fabry disease. Also called: ALPHA-GALACTOSIDASE A DEFICIENCY; ANDERSON-FABRY DISEASE; CERAMIDE TRIHEXOSIDASE DEFICIENCY; GLA DEFICIENCY; HEREDITARY DYSTOPIC LIPIDOSIS; Angiokeratoma corporis diffusum. Identifiers: Orphanet 324, MedGen C0002986, MONDO:0010526, OMIM 301500, HP:0001071. Disease mechanism: Fabry disease is due to inactivating mutations in the X-linked GLA gene resulting in deficiency of the enzyme Alpha Galactosidase-A., loss of function.

Submission:

Genomenon, Inc
Classification: Likely pathogenic for Fabry disease. Last evaluated: 2026-09-08. Review status: criteria provided, single submitter. Criteria: Genomenon Sequence Variant Interpretation Standards - Updated. Collection method: curation. Allele origin: germline. Affected: yes.
Comment: GLA p.Thr282Ile (c.845C>T) is a missense variant that changes the amino acid at codon 282 from Threonine to Isoleucine. This variant has been observed in at least one proband with clinical features consistent with Fabry disease (PMID:32198894;39343861;31996269;39980015;30506669). At least one functional study has demonstrated a substantial alteration in protein function relative to the wild-type (PMID:32023956;27657681;23935525). It is absent or not present at a significant frequency in gnomAD. In silico models predict that this variant is possibly or probably damaging. In conclusion, we classify GLA p.Thr282Ile (c.845C>T) as a likely pathogenic variant.

Literature cited by the submitters: PubMed 32198894; PubMed 39343861; PubMed 31996269; PubMed 39980015; PubMed 30506669; PubMed 32023956; PubMed 27657681; PubMed 23935525.